The following is an entry in ClinVar:

ClinVar aggregate classification (germline): Uncertain significance. Review status: criteria provided, multiple submitters, no conflicts (2 of 4 stars). 2 submissions from 2 submitters: Uncertain significance (2). Last evaluated 2025-10-01.

Conditions:
Neuropathy, hereditary sensory and autonomic, type 2A (HSAN2A). Also called: MORVAN DISEASE; NEUROPATHY, CONGENITAL SENSORY; NEUROPATHY, HEREDITARY SENSORY RADICULAR, AUTOSOMAL RECESSIVE; NEUROPATHY, HEREDITARY SENSORY, TYPE IIA; NEUROPATHY, PROGRESSIVE SENSORY, OF CHILDREN; ACROOSTEOLYSIS, GIACCAI TYPE. Identifiers: Orphanet 970, MedGen C2752089, MONDO:0024309, OMIM 201300.
Generalized epilepsy with febrile seizures plus, type 7 (GEFSP7). Also called: GEFS+, TYPE 7. Identifiers: Orphanet 36387, MedGen C2751778, MONDO:0013470, OMIM 613863.

Allele frequency attached by ClinVar (database versions not stated): gnomAD exomes below 0.00001.
gnomAD v4.1: 4 of 1,613,878 alleles (0.00025%); highest among the groups gnomAD compares: Non-Finnish European, 0.00034%; no homozygotes.

Submissions (2):

Mayo Clinic Laboratories, Mayo Clinic
Classification: Uncertain significance. Last evaluated: 2025-10-01. Review status: criteria provided, single submitter. Criteria: ACMG Guidelines, 2015. Collection method: clinical testing. Allele origin: germline. Observed: 1 variant allele.
Comment: PP3_strong, PM2_supporting

Labcorp Genetics (formerly Invitae), Labcorp
Classification: Uncertain significance for Neuropathy, hereditary sensory and autonomic, type 2A; Generalized epilepsy with febrile seizures plus, type 7. Last evaluated: 2020-05-04. Review status: criteria provided, single submitter. Criteria: Invitae Variant Classification Sherloc (09022015). Collection method: clinical testing. Allele origin: germline.
Comment: This sequence change replaces arginine with histidine at codon 1602 of the SCN9A protein (p.Arg1602His). The arginine residue is highly conserved and there is a small physicochemical difference between arginine and histidine. This variant is not present in population databases (ExAC no frequency). This variant has not been reported in the literature in individuals with SCN9A-related conditions. Algorithms developed to predict the effect of missense changes on protein structure and function (SIFT, PolyPhen-2, Align-GVGD) all suggest that this variant is likely to be disruptive, but these predictions have not been confirmed by published functional studies and their clinical significance is uncertain. In summary, the available evidence is currently insufficient to determine the role of this variant in disease. Therefore, it has been classified as a Variant of Uncertain Significance.

NM_001365536.1(SCN9A):c.4838G>A (p.Arg1613His)

Genes: SCN9A (sodium voltage-gated channel alpha subunit 9; minus strand), SCN1A-AS1 (SCN1A and SCN9A antisense RNA 1; plus strand). Cytogenetic location: 2q24.3.
Variant type: single nucleotide variant.
Coding change: c.4838G>A on transcript NM_001365536.1 (MANE Select); coding-DNA position 4838, G replaced by A.
Protein change: p.Arg1613His; replaces arginine 1613 with histidine.
Molecular consequence: missense variant. On other transcripts: non-coding transcript variant (1).
Genome position (GRCh38, 1-based): chr2:166,199,801, C>T on the plus strand (G>A on the coding strand, the complement: SCN9A is on the minus strand). VCF-style: chr2-166199801-C-T. GRCh37 (hg19) VCF-style: chr2-167056311-C-T.
Other names: p.Arg1602His; c.4805G>A, p.Arg1602His (NM_002977.4); short protein forms R1602H, R1613H.
Identifiers: ClinVar variation 1060223 (VCV001060223.10), dbSNP rs572623538, ClinGen allele CA59784569.